The following is an entry in ClinVar:

ClinVar aggregate classification (germline): Uncertain significance (1 of 4 stars; one submission).

Conditions:
Neurodegeneration with brain iron accumulation 2B. Also called: NEUROAXONAL DYSTROPHY, ATYPICAL; NEURODEGENERATION WITH BRAIN IRON ACCUMULATION, PLA2G6-RELATED; aNAD; atypical Neuroaxonal Dystrophy (aNAD). Identifiers: Orphanet 35069, MedGen C1857747, MONDO:0012444, OMIM 610217.

Submission:

Neuberg Centre For Genomic Medicine, NCGM
Classification: Uncertain significance for Neurodegeneration with brain iron accumulation 2B. Review status: criteria provided, single submitter. Criteria: ACMG Guidelines, 2015. Collection method: clinical testing. Allele origin: germline. Inheritance: Autosomal recessive inheritance. Affected: yes.
Comment: The missense variant p.H124Y in PLA2G6 (NM_003560.4) has not been reported previously as a pathogenic variant nor as a benign variant, to our knowledge. is novel (not in any individuals) in gnomAD Exomes.The p.H124Y variant is novel (not in any individuals) in 1000 Genomes. There is a moderate physicochemical difference between histidine and tyrosine. The p.H124Y missense variant is predicted to be damaging by both SIFT and PolyPhen2. The histidine residue at codon 124 of PLA2G6 is conserved in all mammalian species. The nucleotide c.370 in PLA2G6 is predicted conserved by GERP++ and PhyloP across 100 vertebrates. For these reasons, this variant has been classified as Uncertain Significance.

NM_003560.4(PLA2G6):c.370C>T (p.His124Tyr)

Gene: PLA2G6 (phospholipase A2 group VI; minus strand). Cytogenetic location: 22q13.1.
Variant type: single nucleotide variant.
Coding change: c.370C>T on transcript NM_003560.4 (MANE Select); coding-DNA position 370, C replaced by T.
Protein change: p.His124Tyr; replaces histidine 124 with tyrosine.
Molecular consequence: missense variant. On other transcripts: 5 prime UTR variant (3).
Genome position (GRCh38, 1-based): chr22:38,145,493, G>A on the plus strand (C>T on the coding strand, the complement: PLA2G6 is on the minus strand). VCF-style: chr22-38145493-G-A. GRCh37 (hg19) VCF-style: chr22-38541500-G-A.
Other names: c.370C>T, p.His124Tyr (NM_001004426.3, NM_001199562.3, NM_001349864.2 and 2 more transcripts); c.-165C>T (NM_001349867.2, NM_001349869.2); c.-121C>T (NM_001349868.2); short protein forms H124Y.
Identifiers: ClinVar variation 2627398 (VCV002627398.1), dbSNP rs1167264006, ClinGen allele CA411532187.
Genomic context (GRCh38, chr22:38,145,493, plus strand): 5'-CTCACCTGATGATACGGCTGTGATGGAAGCACTCGCGGATCCCTAGCTCCACAGCCAGGT[G>A]GGCCACTGACCAGCTGGGGTGGTTACGGATGAGGTCGGTCAGGTGCTGCAGGACCTCAGT-3'
Protein context (NP_003551.2, residues 114-134): IRNHPSWSVA[His124Tyr]LAVELGIREC